The following is an entry in ClinVar:

ClinVar aggregate classification (germline): Uncertain significance. Review status: criteria provided, multiple submitters, no conflicts (2 of 4 stars). 3 submissions from 3 submitters: Uncertain significance (3). Last evaluated 2026-06-26.

Conditions:
IFT81-related disorder. Also called: IFT81-related condition.

gnomAD v4.1: 2 of 1,590,422 alleles (0.00013%); highest among the groups gnomAD compares: Admixed American, 0.0018%; no homozygotes.

Submissions (3):

PreventionGenetics, part of Exact Sciences
Classification: Uncertain significance for IFT81-related condition. Last evaluated: 2026-06-26. Review status: criteria provided, single submitter. Criteria: ACMG Guidelines, 2015. Collection method: clinical testing. Allele origin: germline.
Comment: The IFT81 c.1779A>C variant is predicted to result in the amino acid substitution p.Gln593His. To our knowledge, this variant has not been reported in the literature or in a large population database (gnomAD), indicating this variant is rare. At this time, the clinical significance of this variant is uncertain due to the absence of conclusive functional and genetic evidence.

Mayo Clinic Laboratories, Mayo Clinic
Classification: Uncertain significance. Last evaluated: 2025-11-17. Review status: criteria provided, single submitter. Criteria: ACMG Guidelines, 2015. Collection method: clinical testing. Allele origin: germline. Observed: 1 variant allele.
Comment: BP4_moderate, PM2_supporting

Labcorp Genetics (formerly Invitae), Labcorp
Classification: Uncertain significance. Last evaluated: 2021-09-01. Review status: criteria provided, single submitter. Criteria: Invitae Variant Classification Sherloc (09022015). Collection method: clinical testing. Allele origin: germline.
Comment: This sequence change replaces glutamine with histidine at codon 593 of the IFT81 protein (p.Gln593His). The glutamine residue is moderately conserved and there is a small physicochemical difference between glutamine and histidine. This variant is not present in population databases (ExAC no frequency). This variant has not been reported in the literature in individuals affected with IFT81-related conditions. Algorithms developed to predict the effect of missense changes on protein structure and function (SIFT, PolyPhen-2, Align-GVGD) all suggest that this variant is likely to be tolerated. In summary, the available evidence is currently insufficient to determine the role of this variant in disease. Therefore, it has been classified as a Variant of Uncertain Significance.

NM_014055.4(IFT81):c.1779A>C (p.Gln593His)

Gene: IFT81 (intraflagellar transport 81; plus strand). Cytogenetic location: 12q24.11.
Variant type: single nucleotide variant.
Coding change: c.1779A>C on transcript NM_014055.4 (MANE Select); coding-DNA position 1779, A replaced by C.
Protein change: p.Gln593His; replaces glutamine 593 with histidine.
Molecular consequence: missense variant. On other transcripts: non-coding transcript variant (4).
Genome position (GRCh38, 1-based): chr12:110,205,657, A>C. VCF-style: chr12-110205657-A-C. GRCh37 (hg19) VCF-style: chr12-110643462-A-C.
Other names: p.Gln593His; c.1779A>C, p.Gln593His (NM_001143779.2); c.849A>C, p.Gln283His (NM_001347947.2, NM_001347948.2); short protein forms Q283H, Q593H.
Identifiers: ClinVar variation 841911 (VCV000841911.9), dbSNP rs780533104, ClinGen allele CA386909585.